The following is an entry in ClinVar:

ClinVar aggregate classification (germline): Uncertain significance (1 of 4 stars; one submission).

Conditions:
Cohen syndrome (COH1). Also called: PEPPER SYNDROME; Cutis verticis gyrata, retinitis pigmentosa, and sensorineural deafness. Identifiers: Orphanet 193, MedGen C0265223, MONDO:0008999, OMIM 216550.

Submission:

Labcorp Genetics (formerly Invitae), Labcorp
Classification: Uncertain significance for Cohen syndrome. Last evaluated: 2026-01-08. Review status: criteria provided, single submitter. Criteria: Invitae Variant Classification Sherloc (09022015). Collection method: clinical testing. Allele origin: germline.
Comment: This sequence change replaces aspartic acid, which is acidic and polar, with asparagine, which is neutral and polar, at codon 2906 of the VPS13B protein (p.Asp2906Asn). This variant is not present in population databases (gnomAD no frequency). This variant has not been reported in the literature in individuals affected with VPS13B-related conditions. Invitae Evidence Modeling of protein sequence and biophysical properties (such as structural, functional, and spatial information, amino acid conservation, physicochemical variation, residue mobility, and thermodynamic stability) indicates that this missense variant is not expected to disrupt VPS13B protein function with a negative predictive value of 80%. In summary, the available evidence is currently insufficient to determine the role of this variant in disease. Therefore, it has been classified as a Variant of Uncertain Significance.

NM_152564.5(VPS13B):c.8641G>A (p.Asp2881Asn)

Gene: VPS13B (vacuolar protein sorting 13 homolog B; plus strand). Cytogenetic location: 8q22.2.
Variant type: single nucleotide variant.
Coding change: c.8641G>A on transcript NM_152564.5 (MANE Select); coding-DNA position 8641, G replaced by A.
Protein change: p.Asp2881Asn; replaces aspartic acid 2881 with asparagine.
Molecular consequence: missense variant.
Genome position (GRCh38, 1-based): chr8:99,819,431, G>A. VCF-style: chr8-99819431-G-A. GRCh37 (hg19) VCF-style: chr8-100831659-G-A.
Other names: c.8716G>A, p.Asp2906Asn (NM_017890.5); short protein forms D2906N, D2881N.
Identifiers: ClinVar variation 4744193 (VCV004744193.1).